The following is an entry in ClinVar:

ClinVar aggregate classification (germline): Uncertain significance (1 of 4 stars; one submission).

Allele frequency attached by ClinVar (database versions not stated): gnomAD exomes below 0.00001; ExAC 0.00001; gnomAD 0.00001; TOPMed 0.00002.
gnomAD v4.1: 3 of 1,614,092 alleles (0.00019%); highest among the groups gnomAD compares: African/African-American, 0.0027%; no homozygotes.

Submission:

Labcorp Genetics (formerly Invitae), Labcorp
Classification: Uncertain significance. Last evaluated: 2025-10-11. Review status: criteria provided, single submitter. Criteria: Invitae Variant Classification Sherloc (09022015). Collection method: clinical testing. Allele origin: germline.
Comment: This sequence change replaces serine, which is neutral and polar, with cysteine, which is neutral and slightly polar, at codon 444 of the RIPK1 protein (p.Ser444Cys). This variant is present in population databases (rs761091673, gnomAD 0.007%). This variant has not been reported in the literature in individuals affected with RIPK1-related conditions. ClinVar contains an entry for this variant (Variation ID: 2183688). An algorithm developed to predict the effect of missense changes on protein structure and function outputs the following: PolyPhen-2: "Benign". The cysteine amino acid residue is found in multiple mammalian species, which suggests that this missense change does not adversely affect protein function. In summary, the available evidence is currently insufficient to determine the role of this variant in disease. Therefore, it has been classified as a Variant of Uncertain Significance.

NM_001354930.2(RIPK1):c.1330A>T (p.Ser444Cys)

Gene: RIPK1 (receptor interacting serine/threonine kinase 1; plus strand). Cytogenetic location: 6p25.2.
Variant type: single nucleotide variant.
Coding change: c.1330A>T on transcript NM_001354930.2 (MANE Select); coding-DNA position 1330, A replaced by T.
Protein change: p.Ser444Cys; replaces serine 444 with cysteine.
Molecular consequence: missense variant.
Genome position (GRCh38, 1-based): chr6:3,105,805, A>T. VCF-style: chr6-3105805-A-T. GRCh37 (hg19) VCF-style: chr6-3106039-A-T.
Other names: c.841A>T, p.Ser281Cys (NM_001317061.3, NM_001354932.2, NM_001354933.2 and 1 more transcripts); c.1192A>T, p.Ser398Cys (NM_001354931.2); c.1330A>T, p.Ser444Cys (NM_003804.6); short protein forms S398C, S281C, S444C.
Identifiers: ClinVar variation 2183688 (VCV002183688.4), dbSNP rs761091673, ClinGen allele CA3618412.